The following is an entry in ClinVar:

ClinVar aggregate classification (germline): Uncertain significance (1 of 4 stars; one submission).

Conditions:
Cardiovascular phenotype. Identifiers: MedGen CN230736.

Submission:

Ambry Genetics
Classification: Uncertain significance for Cardiovascular phenotype. Last evaluated: 2026-07-19. Review status: criteria provided, single submitter. Criteria: Ambry Variant Classification Scheme 2023. Collection method: clinical testing. Allele origin: germline.
Comment: The p.S182R variant (also known as c.546T>A), located in coding exon 4 of the GATAD1 gene, results from a T to A substitution at nucleotide position 546. The serine at codon 182 is replaced by arginine, an amino acid with dissimilar properties. This amino acid position is conserved. In addition, this alteration is predicted to be deleterious by in silico analysis. Based on the available evidence, the clinical significance of this variant remains unclear.

NM_021167.5(GATAD1):c.546T>A (p.Ser182Arg)

Gene: GATAD1 (GATA zinc finger domain containing 1; plus strand). Cytogenetic location: 7q21.2.
Variant type: single nucleotide variant.
Coding change: c.546T>A on transcript NM_021167.5 (MANE Select); coding-DNA position 546, T replaced by A.
Protein change: p.Ser182Arg; replaces serine 182 with arginine.
Molecular consequence: missense variant. On other transcripts: non-coding transcript variant (1).
Genome position (GRCh38, 1-based): chr7:92,454,612, T>A. VCF-style: chr7-92454612-T-A. GRCh37 (hg19) VCF-style: chr7-92083926-T-A.
Other names: short protein forms S182R.
Identifiers: ClinVar variation 5022243 (VCV005022243.1).